The following is an entry in ClinVar:

NM_002755.4(MAP2K1):c.804C>G (p.Ala268=)

Gene: MAP2K1 (mitogen-activated protein kinase kinase 1; plus strand). Cytogenetic location: 15q22.31.
Variant type: single nucleotide variant.
Coding change: c.804C>G on transcript NM_002755.4 (MANE Select); coding-DNA position 804, C replaced by G.
Protein change: p.Ala268=; no amino-acid change (alanine 268 retained).
Molecular consequence: synonymous variant.
Genome position (GRCh38, 1-based): chr15:66,485,100, C>G. VCF-style: chr15-66485100-C-G. GRCh37 (hg19) VCF-style: chr15-66777438-C-G.
Other names: NM_002755.3(MAP2K1):c.804C>G.
Identifiers: ClinVar variation 44592 (VCV000044592.28), dbSNP rs371652992, ClinGen allele CA134619.
Genomic context (GRCh38, chr15:66,485,100, plus strand): 5'-CATGGGACTGTCTCTGGTAGAGATGGCGGTTGGGAGGTATCCCATCCCTCCTCCAGATGC[C>G]AAGGAGCTGGAGCTGATGTTTGGGTGCCAGGTGGAAGGAGATGCGGCTGAGACCCCACCC-3'
Protein context (NP_002746.1, residues 258-278): VGRYPIPPPD[Ala268=]KELELMFGCQ

ClinVar aggregate classification (germline): Benign. Review status: reviewed by expert panel (3 of 4 stars). 10 submissions from 10 submitters: Benign (1). 9 of the submissions do not count toward it. Last evaluated 2017-05-09.

Conditions:
MAP2K1-related disorder. Also called: MAP2K1-related condition; MAP2K1-related disorders.
Noonan syndrome and Noonan-related syndrome. Identifiers: Orphanet 98733, MedGen C5681679, MONDO:0020297.
Cardiovascular phenotype. Identifiers: MedGen CN230736.
RASopathy. Also called: Noonan spectrum disorder; rasopathies. Identifiers: Orphanet 536391, MedGen C5555857, MONDO:0021060.

Allele frequency attached by ClinVar (database versions not stated): gnomAD 0.00001 and 0.00042; ESP Exome Variant Server 0.00008; TOPMed 0.00009; gnomAD exomes 0.00072 and 0.00151; ExAC 0.00189; 1000 Genomes Project 0.00240; 1000 Genomes Project 30x 0.00250.
gnomAD v4.1: 1,110 of 1,613,972 alleles (0.069%); highest among the groups gnomAD compares: South Asian, 1.1%; 18 homozygotes.

Submissions (10):

ClinGen RASopathy Variant Curation Expert Panel
Classification: Benign for Noonan syndrome and Noonan-related syndrome. Last evaluated: 2017-05-09. Review status: reviewed by expert panel. Criteria: ClinGen RASopathy ACMG Specifications v1. Collection method: curation. Allele origin: germline. Inheritance: Autosomal dominant inheritance.
Comment: The filtering allele frequency of the c.804C>G (p.Ala268=) variant in the MAP2K1 gene is 1.234% (228/16512) of South Asian chromosomes by the Exome Aggregation Consortium, which is a high enough frequency to be classified as benign based on thresholds defined by the ClinGen RASopathy Expert Panel (BA1; PMID:29493581)

Labcorp Genetics (formerly Invitae), Labcorp
Classification: Benign for RASopathy. Last evaluated: 2026-02-03. Review status: criteria provided, single submitter. Criteria: Invitae Variant Classification Sherloc (09022015). Collection method: clinical testing. Allele origin: germline. Not counted in ClinVar's aggregate classification.

Ambry Genetics
Classification: Benign for Cardiovascular phenotype. Last evaluated: 2020-06-22. Review status: criteria provided, single submitter. Criteria: Ambry Variant Classification Scheme 2023. Collection method: clinical testing. Allele origin: germline. Not counted in ClinVar's aggregate classification.

Genome Diagnostics Laboratory, The Hospital for Sick Children
Classification: Benign for Noonan syndrome and Noonan-related syndrome. Last evaluated: 2020-06-01. Review status: criteria provided, single submitter. Criteria: ACMG Guidelines, 2015. Collection method: clinical testing. Allele origin: germline. Not counted in ClinVar's aggregate classification.

Women's Health and Genetics/Laboratory Corporation of America, LabCorp
Classification: Benign. Last evaluated: 2016-09-05. Review status: criteria provided, single submitter. Criteria: LabCorp Variant Classification Summary - May 2015. Collection method: clinical testing. Allele origin: germline. Not counted in ClinVar's aggregate classification.
Comment: Variant summary: The MAP2K1 c.804C>G (p.Ala268Ala) variant involves the alteration of a non-conserved nucleotide, resulting in a synonymous change. 5/5 splice prediction tools predict this variant not to significantly affect normal splicing. This variant was found in 230/121392 control chromosomes (6 homozygotes), predominantly observed in the South Asian subpopulation at a frequency of 0.0138081 (228/16512). This frequency is about 5523 times the estimated maximal expected allele frequency of a pathogenic MAP2K1 variant (0.0000025), suggesting this is a benign polymorphism found primarily in the populations of South Asian origin. In addition, one clinical diagnostic laboratory in ClinVar has classified this variant as benign. The variant of interest has not, to our knowledge, been reported in affected individuals via publications and/or reputable databases. Taken together, this variant is classified as Benign.

GeneDx
Classification: Benign. Last evaluated: 2015-03-03. Review status: criteria provided, single submitter. Criteria: GeneDx Variant Classification Process June 2021. Collection method: clinical testing. Allele origin: germline. Affected: yes. Not counted in ClinVar's aggregate classification.

Laboratory for Molecular Medicine, Mass General Brigham Personalized Medicine
Classification: Benign. Last evaluated: 2009-06-26. Review status: criteria provided, single submitter. Criteria: LMM Criteria. Collection method: clinical testing. Allele origin: germline. Observed: 2 variant alleles. Not counted in ClinVar's aggregate classification.

PreventionGenetics, part of Exact Sciences
Classification: Benign for MAP2K1-related condition. Last evaluated: 2019-06-12. Review status: no assertion criteria provided. Collection method: clinical testing. Allele origin: germline. Not counted in ClinVar's aggregate classification.
Comment: This variant is classified as benign based on ACMG/AMP sequence variant interpretation guidelines (Richards et al. 2015 PMID: 25741868, with internal and published modifications).

Clinical Genetics, Academic Medical Center
Classification: Benign. Review status: no assertion criteria provided. Collection method: clinical testing. Allele origin: germline. Affected: yes. Study: VKGL Data-share Consensus. Not counted in ClinVar's aggregate classification.

Joint Genome Diagnostic Labs from Nijmegen and Maastricht, Radboudumc and MUMC+
Classification: Benign. Review status: no assertion criteria provided. Collection method: clinical testing. Allele origin: germline. Affected: yes. Study: VKGL Data-share Consensus. Not counted in ClinVar's aggregate classification.

Literature cited by the submitters: PubMed 28955999 (cited by Ambry Genetics).